The following is an entry in ClinVar:

ClinVar aggregate classification (germline): Conflicting classifications of pathogenicity. Review status: criteria provided, conflicting classifications (1 of 4 stars). 8 submissions from 8 submitters: Uncertain significance (6); Likely benign (1). 1 of the submissions does not count toward it. Last evaluated 2026-02-16.

Conditions:
TSC1-related disorder. Also called: TSC1-related condition.
Hereditary cancer-predisposing syndrome. Also called: Tumor predisposition; Hereditary neoplastic syndrome; Neoplastic Syndromes, Hereditary; Hereditary Cancer Syndrome. Identifiers: Orphanet 140162, MedGen C0027672, MeSH D009386, MONDO:0015356.
Tuberous sclerosis syndrome (TSC). Also called: Tuberous sclerosis; Tuberous Sclerosis Complex. Identifiers: Orphanet 805, MedGen C0041341, MONDO:0001734.
Isolated focal cortical dysplasia type II (FCORD2). Also called: CORTICAL DYSPLASIA OF TAYLOR; Focal cortical dysplasia type II. Identifiers: Orphanet 268994, MedGen C1846385, MONDO:0011818, OMIM 607341, HP:0032051.
Tuberous sclerosis 1 (TSC1). Identifiers: Orphanet 805, MedGen C1854465, MONDO:0008612, OMIM 191100.

Allele frequency attached by ClinVar (database versions not stated): gnomAD exomes below 0.00001; ExAC 0.00001; 1000 Genomes Project 30x 0.00016; gnomAD 0.00001; 1000 Genomes Project 0.00020.
gnomAD v4.1: 4 of 1,614,172 alleles (0.00025%); highest among the groups gnomAD compares: South Asian, 0.0011%; no homozygotes.

Submissions (8):

Ambry Genetics
Classification: Uncertain significance for Hereditary cancer-predisposing syndrome. Last evaluated: 2026-02-16. Review status: criteria provided, single submitter. Criteria: Ambry Variant Classification Scheme 2023. Collection method: clinical testing. Allele origin: germline.

Labcorp Genetics (formerly Invitae), Labcorp
Classification: Likely benign for Tuberous sclerosis 1. Last evaluated: 2025-11-24. Review status: criteria provided, single submitter. Criteria: Invitae Variant Classification Sherloc (09022015). Collection method: clinical testing. Allele origin: germline.

Baylor Genetics
Classification: Uncertain significance for Isolated focal cortical dysplasia type II. Last evaluated: 2023-10-24. Review status: criteria provided, single submitter. Criteria: ACMG Guidelines, 2015. Collection method: clinical testing. Allele origin: unknown.

All of Us Research Program, National Institutes of Health
Classification: Uncertain significance for Tuberous sclerosis syndrome. Last evaluated: 2023-09-04. Review status: criteria provided, single submitter. Criteria: ACMG Guidelines, 2015. Collection method: clinical testing. Allele origin: germline. Inheritance: Autosomal dominant inheritance. Observed: 2 variant alleles, 2 heterozygotes.
Comment: This missense variant replaces arginine with glutamine at codon 1093 of the TSC1 protein. Computational prediction is inconclusive regarding the impact of this variant on protein structure and function (internally defined REVEL score threshold 0.5 < inconclusive < 0.7, PMID: 27666373). To our knowledge, functional studies have not been reported for this variant. This variant has not been reported in individuals affected with TSC1-related disorders in the literature. This variant has been identified in 1/251470 chromosomes in the general population by the Genome Aggregation Database (gnomAD). The available evidence is insufficient to determine the role of this variant in disease conclusively. Therefore, this variant is classified as a Variant of Uncertain Significance.

This study involves interpretation of variants in research participants for the purpose of population health screening. Participant phenotype was not available at the time of variant classification. Additional details can be found in publication PMID: 35346344, PMCID: PMC8962531

Genome-Nilou Lab
Classification: Uncertain significance for Tuberous sclerosis 1. Last evaluated: 2021-11-07. Review status: criteria provided, single submitter. Criteria: ACMG Guidelines, 2015. Collection method: clinical testing. Allele origin: germline. Affected: no.

GeneDx
Classification: Uncertain significance. Last evaluated: 2017-12-04. Review status: criteria provided, single submitter. Criteria: GeneDx Variant Classification (06012015). Collection method: clinical testing. Allele origin: germline. Affected: yes.
Comment: The de novo R1093Q variant in the TSC1 gene has not been reported previously as a pathogenic variant, nor as a benign variant, to our knowledge. The R1093Q variant was not observed in approximately 6,500 individuals of European and African American ancestry in the NHLBI Exome Sequencing Project, indicating it is not a common benign variant in these populations. The R1093Q variant is a semi-conservative amino acid substitution, which may impact secondary protein structure as these residues differ in some properties. This substitution occurs at a position that is conserved across species. In silico analysis is inconsistent in its predictions as to whether or not the variant is damaging to the protein structure/function. We interpret R1093Q as a variant of uncertain significance.

Eurofins Ntd Llc (ga)
Classification: Uncertain significance. Last evaluated: 2015-03-13. Review status: criteria provided, single submitter. Criteria: EGL Classification Definitions 2015. Collection method: clinical testing. Allele origin: germline. Observed: 1 variant allele, 1 heterozygote.

PreventionGenetics, part of Exact Sciences
Classification: Uncertain significance for TSC1-related condition. Last evaluated: 2024-03-22. Review status: no assertion criteria provided. Collection method: clinical testing. Allele origin: germline. Not counted in ClinVar's aggregate classification.
Comment: The TSC1 c.3278G>A variant is predicted to result in the amino acid substitution p.Arg1093Gln. This variant was reported in an individual with keratoconus without tuberous sclerosis and classified as a variant of uncertain significance (Bykhovskaya et al 2017. PubMed ID: 29261847). This variant is reported in 0.0033% of alleles in individuals of South Asian descent in gnomAD. At this time, the clinical significance of this variant is uncertain due to the absence of conclusive functional and genetic evidence.

NM_000368.5(TSC1):c.3278G>A (p.Arg1093Gln)

Gene: TSC1 (TSC complex subunit 1; minus strand). Cytogenetic location: 9q34.13.
Variant type: single nucleotide variant.
Coding change: c.3278G>A on transcript NM_000368.5 (MANE Select); coding-DNA position 3278, G replaced by A.
Protein change: p.Arg1093Gln; replaces arginine 1093 with glutamine.
Molecular consequence: missense variant.
Genome position (GRCh38, 1-based): chr9:132,896,452, C>T on the plus strand (G>A on the coding strand, the complement: TSC1 is on the minus strand). VCF-style: chr9-132896452-C-T. GRCh37 (hg19) VCF-style: chr9-135771839-C-T.
Other names: c.3275G>A, p.Arg1092Gln (NM_001162426.2); c.3125G>A, p.Arg1042Gln (NM_001162427.2); c.2915G>A, p.Arg972Gln (NM_001362177.2); short protein forms R1093Q, R972Q, R1042Q, R1092Q.
Identifiers: ClinVar variation 195727 (VCV000195727.22), dbSNP rs550526986, ClinGen allele CA007291.
Genomic context (GRCh38, chr9:132,896,452, plus strand): 5'-AGGCTACTGGTCATGCCGTCCTCATCACACTGGCTCTCGCTCTTATTACGAAATAACTCT[C>T]GAGCCTTCATACCCAGGAAGCTTTTTGAACTGGGAAGTGAGCCCACAGTGGTGGGGATGC-3'
Protein context (NP_000359.1, residues 1083-1103): SSKSFLGMKA[Arg1093Gln]ELFRNKSESQ